The following is an entry in ClinVar:

NM_005515.4(MNX1):c.1168C>G (p.Pro390Ala)

Gene: MNX1 (motor neuron and pancreas homeobox 1; minus strand). Cytogenetic location: 7q36.3.
Variant type: single nucleotide variant.
Coding change: c.1168C>G on transcript NM_005515.4 (MANE Select); coding-DNA position 1168, C replaced by G.
Protein change: p.Pro390Ala; replaces proline 390 with alanine.
Molecular consequence: missense variant.
Genome position (GRCh38, 1-based): chr7:157,005,558, G>C on the plus strand (C>G on the coding strand, the complement: MNX1 is on the minus strand). VCF-style: chr7-157005558-G-C. GRCh37 (hg19) VCF-style: chr7-156798252-G-C.
Other names: c.532C>G, p.Pro178Ala (NM_001165255.2); short protein forms P178A, P390A.
Identifiers: ClinVar variation 1959453 (VCV001959453.6), dbSNP rs760934530, ClinGen allele CA370161287.

ClinVar aggregate classification (germline): Uncertain significance. Review status: criteria provided, multiple submitters, no conflicts (2 of 4 stars). 2 submissions from 2 submitters: Uncertain significance (2). Last evaluated 2024-03-01.

Conditions:
Currarino triad. Identifiers: Orphanet 1552, MedGen C1531773, MONDO:0008305, OMIM 176450.

Allele frequency attached by ClinVar (database versions not stated): TOPMed below 0.00001; gnomAD 0.00001.

Submissions (2):

Fulgent Genetics
Classification: Uncertain significance for Currarino triad. Last evaluated: 2024-03-01. Review status: criteria provided, single submitter. Criteria: ACMG Guidelines, 2015. Collection method: clinical testing. Allele origin: germline.

Labcorp Genetics (formerly Invitae), Labcorp
Classification: Uncertain significance. Last evaluated: 2022-09-15. Review status: criteria provided, single submitter. Criteria: Invitae Variant Classification Sherloc (09022015). Collection method: clinical testing. Allele origin: germline.
Comment: This sequence change replaces proline, which is neutral and non-polar, with alanine, which is neutral and non-polar, at codon 390 of the MNX1 protein (p.Pro390Ala). This variant is not present in population databases (gnomAD no frequency). This variant has not been reported in the literature in individuals affected with MNX1-related conditions. Algorithms developed to predict the effect of missense changes on protein structure and function are either unavailable or do not agree on the potential impact of this missense change (SIFT: "Tolerated"; PolyPhen-2: "Not Available"; Align-GVGD: "Class C0"). In summary, the available evidence is currently insufficient to determine the role of this variant in disease. Therefore, it has been classified as a Variant of Uncertain Significance.